The following is an entry in ClinVar:

NM_001127511.3(APC):c.-32del

Gene: APC (APC regulator of Wnt signaling pathway; plus strand). Cytogenetic location: 5q22.2.
Variant type: Deletion.
Coding change: c.-32del on transcript NM_001127511.3; 32 bases upstream of the start codon, one base deleted (C; older notation c.-32delC).
Molecular consequence: 5 prime UTR variant. On other transcripts: non-coding transcript variant (1), intron variant (5).
Genome position (GRCh38, 1-based): chr5:112,707,686, C deleted. VCF-style (leftmost placement, unchanged base first): chr5-112707685-AC-A. GRCh37 (hg19) VCF-style: chr5-112043382-AC-A.
Other names: c.-215del (NM_001354895.2, NM_001407447.1, NM_001407452.1 and 3 more transcripts); c.-32del (NM_001354897.2, NM_001354902.2, NM_001407446.1); c.-1250del (NM_001407470.1, NM_001407472.1); c.-19+37del (NM_001407448.1, NM_001407450.1, NM_001407457.1 and 1 more transcripts); c.-43+37del (NM_001407453.1).
Identifiers: ClinVar variation 1006513 (VCV001006513.9), dbSNP rs1750596841, ClinGen allele CA1573442630.
Genomic context (GRCh38, chr5:112,707,685, plus strand): 5'-GAGGTTGGCTCGATGCTGTTCCCAGGTACTGTTGTTGGCTGTTGGTGAGGAAGGTGAAGC[AC>A]TCAGTTGCCTTCTCGGGCCTCGGCGCCCCCTATGTACGCCTCCCTGGGCTCGGGTCCGGT-3'

ClinVar aggregate classification (germline): Uncertain significance (1 of 4 stars; one submission).

Conditions:
Familial adenomatous polyposis 1 (FAP1). Also called: FAMILIAL ADENOMATOUS POLYPOSIS 1, ATTENUATED; POLYPOSIS, ADENOMATOUS INTESTINAL. Identifiers: MedGen C2713442, MONDO:0021056, OMIM 175100. Disease mechanism: loss of function.

Allele frequency attached by ClinVar (database versions not stated): gnomAD exomes 0.00001.

Submission:

Labcorp Genetics (formerly Invitae), Labcorp
Classification: Uncertain significance for Familial adenomatous polyposis 1. Last evaluated: 2023-03-03. Review status: criteria provided, single submitter. Criteria: Invitae Variant Classification Sherloc (09022015). Collection method: clinical testing. Allele origin: germline.
Comment: Experimental studies and prediction algorithms are not available or were not evaluated, and the functional significance of this variant is currently unknown. This variant occurs in a non-coding region of the APC gene. It does not change the encoded amino acid sequence of the APC protein. This variant is not present in population databases (gnomAD no frequency). This variant has not been reported in the literature in individuals affected with APC-related conditions. In summary, the available evidence is currently insufficient to determine the role of this variant in disease. Therefore, it has been classified as a Variant of Uncertain Significance.